The following is an entry in ClinVar:

ClinVar aggregate classification (germline): Uncertain significance. Review status: criteria provided, single submitter (1 of 4 stars). 2 submissions from 2 submitters: Uncertain significance (1). 1 of the submissions does not count toward it. Last evaluated 2024-10-25.

Conditions:
Intellectual developmental disorder, X-linked 1. Also called: Atkin Flaitz Patil Smith syndrome; Intellectual disability, X-linked 1; MENTAL RETARDATION, X-LINKED 18; MENTAL RETARDATION, X-LINKED 78. Identifiers: Orphanet 777, MedGen C2931498, MONDO:0010656, OMIM 309530.

Allele frequency attached by ClinVar (database versions not stated): gnomAD exomes below 0.00001.
gnomAD v4.1: 2 of 1,210,561 alleles (0.00017%); highest among the groups gnomAD compares: Non-Finnish European, 0.00022%; no homozygotes.

Submissions (2):

Labcorp Genetics (formerly Invitae), Labcorp
Classification: Uncertain significance for Intellectual developmental disorder, X-linked 1. Last evaluated: 2024-10-25. Review status: criteria provided, single submitter. Criteria: Invitae Variant Classification Sherloc (09022015). Collection method: clinical testing. Allele origin: germline.
Comment: This sequence change replaces glycine, which is neutral and non-polar, with valine, which is neutral and non-polar, at codon 636 of the IQSEC2 protein (p.Gly636Val). This variant is not present in population databases (gnomAD no frequency). This variant has not been reported in the literature in individuals affected with IQSEC2-related conditions. ClinVar contains an entry for this variant (Variation ID: 1378150). Invitae Evidence Modeling of protein sequence and biophysical properties (such as structural, functional, and spatial information, amino acid conservation, physicochemical variation, residue mobility, and thermodynamic stability) indicates that this missense variant is not expected to disrupt IQSEC2 protein function with a negative predictive value of 95%. Algorithms developed to predict the effect of sequence changes on RNA splicing suggest that this variant may create or strengthen a splice site. In summary, the available evidence is currently insufficient to determine the role of this variant in disease. Therefore, it has been classified as a Variant of Uncertain Significance.

Zotz-Klimas Genetics Lab, MVZ Zotz Klimas
Classification: Uncertain significance for Intellectual developmental disorder, X-linked 1. Last evaluated: 2023-10-09. Review status: no assertion criteria provided. Collection method: clinical testing. Allele origin: germline. Affected: yes. Not counted in ClinVar's aggregate classification.

NM_001111125.3(IQSEC2):c.1907G>T (p.Gly636Val)

Gene: IQSEC2 (IQ motif and Sec7 domain ArfGEF 2; minus strand). Cytogenetic location: Xp11.22.
Variant type: single nucleotide variant.
Coding change: c.1907G>T on transcript NM_001111125.3 (MANE Select); coding-DNA position 1907, G replaced by T.
Protein change: p.Gly636Val; replaces glycine 636 with valine.
Molecular consequence: missense variant.
Genome position (GRCh38, 1-based): chrX:53,250,669, C>A on the plus strand (G>T on the coding strand, the complement: IQSEC2 is on the minus strand). VCF-style: chrX-53250669-C-A. GRCh37 (hg19) VCF-style: chrX-53279851-C-A.
Other names: c.1292G>T, p.Gly431Val (NM_015075.2); short protein forms G636V, G431V.
Identifiers: ClinVar variation 1378150 (VCV001378150.7), dbSNP rs2074372213, ClinGen allele CA413162879.